The following is an entry in ClinVar:

ClinVar aggregate classification (germline): Uncertain significance. Review status: criteria provided, multiple submitters, no conflicts (2 of 4 stars). 2 submissions from 2 submitters: Uncertain significance (2). Last evaluated 2025-07-13.

Allele frequency attached by ClinVar (database versions not stated): TOPMed below 0.00001; ExAC 0.00006; ESP Exome Variant Server 0.00008.
gnomAD v4.1: 30 of 1,598,906 alleles (0.0019%); highest among the groups gnomAD compares: Middle Eastern, 0.083%; no homozygotes.

Submissions (2):

Labcorp Genetics (formerly Invitae), Labcorp
Classification: Uncertain significance. Last evaluated: 2025-07-13. Review status: criteria provided, single submitter. Criteria: Invitae Variant Classification Sherloc (09022015). Collection method: clinical testing. Allele origin: germline.
Comment: This sequence change replaces valine, which is neutral and non-polar, with methionine, which is neutral and non-polar, at codon 183 of the TNFRSF6B protein (p.Val183Met). This variant is present in population databases (rs372805580, gnomAD 0.01%). This variant has not been reported in the literature in individuals affected with TNFRSF6B-related conditions. ClinVar contains an entry for this variant (Variation ID: 2152284). An algorithm developed to predict the effect of missense changes on protein structure and function (PolyPhen-2) suggests that this variant is likely to be tolerated. In summary, the available evidence is currently insufficient to determine the role of this variant in disease. Therefore, it has been classified as a Variant of Uncertain Significance.

Ambry Genetics
Classification: Uncertain significance. Last evaluated: 2025-03-26. Review status: criteria provided, single submitter. Criteria: Ambry Variant Classification Scheme 2023. Collection method: clinical testing. Allele origin: germline.

NM_003823.4(TNFRSF6B):c.547G>A (p.Val183Met)

Genes: RTEL1-TNFRSF6B (RTEL1-TNFRSF6B readthrough (NMD candidate); plus strand), TNFRSF6B (TNF receptor superfamily member 6b; plus strand). Cytogenetic location: 20q13.33.
Variant type: single nucleotide variant.
Coding change: c.547G>A on transcript NM_003823.4 (MANE Select); coding-DNA position 547, G replaced by A.
Protein change: p.Val183Met; replaces valine 183 with methionine.
Molecular consequence: missense variant. On other transcripts: non-coding transcript variant (1).
Genome position (GRCh38, 1-based): chr20:63,697,450, G>A. VCF-style: chr20-63697450-G-A. GRCh37 (hg19) VCF-style: chr20-62328803-G-A.
Other names: c.547G>A (NM_003823.3); short protein forms V183M.
Identifiers: ClinVar variation 2152284 (VCV002152284.5), dbSNP rs372805580, ClinGen allele CA9966502.